The following is an entry in ClinVar:

NM_001042724.2(NECTIN2):c.526G>C (p.Asp176His)

Gene: NECTIN2 (nectin cell adhesion molecule 2; plus strand). Cytogenetic location: 19q13.32.
Variant type: single nucleotide variant.
Coding change: c.526G>C on transcript NM_001042724.2 (MANE Select); coding-DNA position 526, G replaced by C.
Protein change: p.Asp176His; replaces aspartic acid 176 with histidine.
Molecular consequence: missense variant.
Genome position (GRCh38, 1-based): chr19:44,871,900, G>C. VCF-style: chr19-44871900-G-C. GRCh37 (hg19) VCF-style: chr19-45375157-G-C.
Other names: c.526G>C, p.Asp176His (NM_002856.3); short protein forms D176H.
Identifiers: ClinVar variation 712411 (VCV000712411.5), dbSNP rs146534542, ClinGen allele CA9505135.

ClinVar aggregate classification (germline): Benign. Review status: criteria provided, single submitter (1 of 4 stars). 2 submissions from 2 submitters: Benign (1). 1 of the submissions does not count toward it. Last evaluated 2018-06-01.

Conditions:
NECTIN2-related disorder. Also called: NECTIN2-related condition.

Allele frequency attached by ClinVar (database versions not stated): ExAC 0.00519; 1000 Genomes Project 30x 0.00968; 1000 Genomes Project 0.01058; gnomAD 0.00003 and 0.00123; ESP Exome Variant Server 0.00008; TOPMed 0.00024; gnomAD exomes 0.00206 and 0.00440.
gnomAD v4.1: 3,227 of 1,614,140 alleles (0.2%); highest among the groups gnomAD compares: South Asian, 3.3%; 86 homozygotes.

Submissions (2):

Labcorp Genetics (formerly Invitae), Labcorp
Classification: Benign. Last evaluated: 2018-06-01. Review status: criteria provided, single submitter. Criteria: Invitae Variant Classification Sherloc (09022015). Collection method: clinical testing. Allele origin: germline.

PreventionGenetics, part of Exact Sciences
Classification: Benign for NECTIN2-related condition. Last evaluated: 2019-03-01. Review status: no assertion criteria provided. Collection method: clinical testing. Allele origin: germline. Not counted in ClinVar's aggregate classification.
Comment: This variant is classified as benign based on ACMG/AMP sequence variant interpretation guidelines (Richards et al. 2015 PMID: 25741868, with internal and published modifications).